The following is an entry in ClinVar:

NM_138694.4(PKHD1):c.8989G>A (p.Gly2997Arg)

Gene: PKHD1 (PKHD1 ciliary IPT domain containing fibrocystin/polyductin; minus strand). Cytogenetic location: 6p12.3.
Variant type: single nucleotide variant.
Coding change: c.8989G>A on transcript NM_138694.4 (MANE Select); coding-DNA position 8989, G replaced by A.
Protein change: p.Gly2997Arg; replaces glycine 2997 with arginine.
Molecular consequence: missense variant.
Genome position (GRCh38, 1-based): chr6:51,748,627, C>T on the plus strand (G>A on the coding strand, the complement: PKHD1 is on the minus strand). VCF-style: chr6-51748627-C-T. GRCh37 (hg19) VCF-style: chr6-51613425-C-T.
Other names: c.8989G>A, p.Gly2997Arg (NM_170724.3); short protein forms G2997R.
Identifiers: ClinVar variation 357420 (VCV000357420.14), dbSNP rs886061614, ClinGen allele CA10627197.

ClinVar aggregate classification (germline): Uncertain significance. Review status: criteria provided, multiple submitters, no conflicts (2 of 4 stars). 4 submissions from 4 submitters: Uncertain significance (3). 1 of the submissions does not count toward it. Last evaluated 2024-10-29.

Conditions:
PKHD1-related disorder. Also called: PKHD1-related condition.
Autosomal recessive polycystic kidney disease (ARPKD). Also called: AR polycystic kidney disease. Identifiers: Orphanet 731, Orphanet 8378, MedGen C0085548, MeSH D017044, MONDO:0009889.

Allele frequency attached by ClinVar (database versions not stated): gnomAD exomes below 0.00001 and 0.00001.
gnomAD v4.1: 8 of 1,613,666 alleles (0.0005%); highest among the groups gnomAD compares: Non-Finnish European, 0.00068%; no homozygotes.

Submissions (4):

Blueprint Genetics
Classification: Uncertain significance. Last evaluated: 2024-10-29. Review status: criteria provided, single submitter. Criteria: ACMG Guidelines, 2015. Collection method: clinical testing. Allele origin: germline.

Labcorp Genetics (formerly Invitae), Labcorp
Classification: Uncertain significance for Autosomal recessive polycystic kidney disease. Last evaluated: 2021-07-12. Review status: criteria provided, single submitter. Criteria: Invitae Variant Classification Sherloc (09022015). Collection method: clinical testing. Allele origin: germline.
Comment: Advanced modeling of protein sequence and biophysical properties (such as structural, functional, and spatial information, amino acid conservation, physicochemical variation, residue mobility, and thermodynamic stability) performed at Invitae indicates that this missense variant is expected to disrupt PKHD1 protein function. In summary, the available evidence is currently insufficient to determine the role of this variant in disease. Therefore, it has been classified as a Variant of Uncertain Significance. ClinVar contains an entry for this variant (Variation ID: 357420). This sequence change replaces glycine with arginine at codon 2997 of the PKHD1 protein (p.Gly2997Arg). The glycine residue is moderately conserved and there is a moderate physicochemical difference between glycine and arginine. This variant is not present in population databases (ExAC no frequency). This variant has not been reported in the literature in individuals affected with PKHD1-related conditions.

Illumina Laboratory Services, Illumina
Classification: Uncertain significance for Polycystic kidney disease 4. Last evaluated: 2018-01-12. Review status: criteria provided, single submitter. Criteria: ICSL Variant Classification Criteria 13 December 2019. Collection method: clinical testing. Allele origin: germline.

PreventionGenetics, part of Exact Sciences
Classification: Uncertain significance for PKHD1-related condition. Last evaluated: 2024-08-24. Review status: no assertion criteria provided. Collection method: clinical testing. Allele origin: germline. Not counted in ClinVar's aggregate classification.
Comment: The PKHD1 c.8989G>A variant is predicted to result in the amino acid substitution p.Gly2997Arg. To our knowledge, this variant has not been reported in the literature. This variant is reported in 0.00091% of alleles in individuals of European (Non-Finnish) descent in gnomAD. At this time, the clinical significance of this variant is uncertain due to the absence of conclusive functional and genetic evidence.